The following is an entry in ClinVar:

ClinVar aggregate classification (germline): Likely benign. Review status: criteria provided, multiple submitters, no conflicts (2 of 4 stars). 4 submissions from 4 submitters: Likely benign (4). Last evaluated 2025-05-03.

Conditions:
Cardiovascular phenotype. Identifiers: MedGen CN230736.
Cardiomyopathy (CMYO). Also called: Cardiomyopathies. Identifiers: Orphanet 167848, MedGen C0878544, MONDO:0004994, HP:0001638. Inheritance: Various modes of inheritance.
Hypertrophic cardiomyopathy. Also called: HYPERTROPHIC MYOCARDIOPATHY. Identifiers: Orphanet 217569, MedGen C0007194, MeSH D002312, MONDO:0005045, HP:0001639.

Allele frequency attached by ClinVar (database versions not stated): ExAC 0.00003; gnomAD exomes below 0.00001; gnomAD 0.00001.
gnomAD v4.1: 4 of 1,583,842 alleles (0.00025%); highest among the groups gnomAD compares: Middle Eastern, 0.033%; no homozygotes.

Submissions (4):

Ambry Genetics
Classification: Likely benign for Cardiovascular phenotype. Last evaluated: 2025-05-03. Review status: criteria provided, single submitter. Criteria: Ambry Variant Classification Scheme 2023. Collection method: clinical testing. Allele origin: germline.

All of Us Research Program, National Institutes of Health
Classification: Likely benign for Hypertrophic cardiomyopathy. Last evaluated: 2024-05-14. Review status: criteria provided, single submitter. Criteria: ACMG Guidelines, 2015. Collection method: clinical testing. Allele origin: germline. Inheritance: Autosomal dominant inheritance. Observed: 1 variant allele, 1 heterozygote.
Comment: This study involves interpretation of variants in research participants for the purpose of population health screening. Participant phenotype was not available at the time of variant classification. Additional details can be found in publication PMID: 35346344, PMCID: PMC8962531

Labcorp Genetics (formerly Invitae), Labcorp
Classification: Likely benign for Hypertrophic cardiomyopathy. Last evaluated: 2022-11-23. Review status: criteria provided, single submitter. Criteria: Invitae Variant Classification Sherloc (09022015). Collection method: clinical testing. Allele origin: germline.

Color Diagnostics, LLC DBA Color Health
Classification: Likely benign for Cardiomyopathy. Last evaluated: 2019-05-14. Review status: criteria provided, single submitter. Criteria: ACMG Guidelines, 2015. Collection method: clinical testing. Allele origin: germline.

NM_000256.3(MYBPC3):c.1764C>T (p.Ser588=)

Gene: MYBPC3 (myosin binding protein C3; minus strand). Cytogenetic location: 11p11.2.
Variant type: single nucleotide variant.
Coding change: c.1764C>T on transcript NM_000256.3 (MANE Select); coding-DNA position 1764, C replaced by T.
Protein change: p.Ser588=; no amino-acid change (serine 588 retained).
Molecular consequence: synonymous variant.
Genome position (GRCh38, 1-based): chr11:47,342,017, G>A on the plus strand (C>T on the coding strand, the complement: MYBPC3 is on the minus strand). VCF-style: chr11-47342017-G-A. GRCh37 (hg19) VCF-style: chr11-47363568-G-A.
Identifiers: ClinVar variation 924802 (VCV000924802.11), dbSNP rs747918558, ClinGen allele CA078279.
Genomic context (GRCh38, chr11:47,342,017, plus strand): 5'-CCACCTGTCCCATCCACCTGCCCTGCACACTCACCGCCCGATGTGGGACACCTTTATGCG[G>A]CTGTCGGGCACCAGCTCCTTCCCATTCTTCAGCCACACACCCCGAACATTCTCATCTGAG-3'
Protein context (NP_000247.2, residues 578-598): LKNGKELVPD[Ser588=]RIKVSHIGRV